The following is an entry in ClinVar:

NM_004239.4(TRIP11):c.2344A>G (p.Ile782Val)

Gene: TRIP11 (thyroid hormone receptor interactor 11; minus strand). Cytogenetic location: 14q32.12.
Variant type: single nucleotide variant.
Coding change: c.2344A>G on transcript NM_004239.4 (MANE Select); coding-DNA position 2344, A replaced by G.
Protein change: p.Ile782Val; replaces isoleucine 782 with valine.
Molecular consequence: missense variant.
Genome position (GRCh38, 1-based): chr14:92,005,632, T>C on the plus strand (A>G on the coding strand, the complement: TRIP11 is on the minus strand). VCF-style: chr14-92005632-T-C. GRCh37 (hg19) VCF-style: chr14-92471976-T-C.
Other names: c.2341A>G, p.Ile781Val (NM_001321851.1); short protein forms I781V, I782V.
Identifiers: ClinVar variation 3766782 (VCV003766782.1).

ClinVar aggregate classification (germline): Uncertain significance (1 of 4 stars; one submission).

gnomAD v4.1: 6 of 1,613,850 alleles (0.00037%); highest among the groups gnomAD compares: African/African-American, 0.004%; no homozygotes.

Submission:

ARUP Laboratories, Molecular Genetics and Genomics, ARUP Laboratories
Classification: Uncertain significance. Last evaluated: 2024-08-13. Review status: criteria provided, single submitter. Criteria: ARUP Molecular Germline Variant Investigation Process 2024. Collection method: clinical testing. Allele origin: germline.
Comment: The TRIP11 c.2344A>G; p.Ile782Val variant (rs941976871), to our knowledge, is not reported in the medical literature or gene specific databases. This variant is also absent from the Genome Aggregation Database (v2.1.1), indicating it is not a common polymorphism. Computational analyses predict that this variant is neutral (REVEL: 0.026). However, given the lack of clinical and functional data, the significance of this variant is uncertain at this time.